The following is an entry in ClinVar:

ClinVar aggregate classification (germline): Uncertain significance. Review status: criteria provided, multiple submitters, no conflicts (2 of 4 stars). 2 submissions from 2 submitters: Uncertain significance (2). Last evaluated 2021-11-22.

Conditions:
Spondylodysplastic Ehlers-Danlos syndrome. Identifiers: Orphanet 536471, Orphanet 75496, MedGen C5680154, MONDO:0007526.
Inborn genetic diseases. Identifiers: MedGen C0950123, MeSH D030342.

Allele frequency attached by ClinVar (database versions not stated): gnomAD 0.00001; TOPMed 0.00001; 1000 Genomes Project 30x 0.00016; 1000 Genomes Project 0.00020; ExAC 0.00002.
gnomAD v4.1: 7 of 1,613,944 alleles (0.00043%); highest among the groups gnomAD compares: Admixed American, 0.0067%; no homozygotes.

Submissions (2):

Labcorp Genetics (formerly Invitae), Labcorp
Classification: Uncertain significance for Spondylodysplastic Ehlers-Danlos syndrome. Last evaluated: 2021-11-22. Review status: criteria provided, single submitter. Criteria: Invitae Variant Classification Sherloc (09022015). Collection method: clinical testing. Allele origin: germline.
Comment: This sequence change replaces lysine, which is basic and polar, with glutamine, which is neutral and polar, at codon 122 of the B4GALT7 protein (p.Lys122Gln). This variant is present in population databases (rs201281389, gnomAD 0.01%). This variant has not been reported in the literature in individuals affected with B4GALT7-related conditions. Algorithms developed to predict the effect of missense changes on protein structure and function are either unavailable or do not agree on the potential impact of this missense change (SIFT: "Tolerated"; PolyPhen-2: "Possibly Damaging"; Align-GVGD: "Class C0"). In summary, the available evidence is currently insufficient to determine the role of this variant in disease. Therefore, it has been classified as a Variant of Uncertain Significance.

Ambry Genetics
Classification: Uncertain significance for Inborn genetic diseases. Last evaluated: 2021-03-31. Review status: criteria provided, single submitter. Criteria: Ambry Variant Classification Scheme 2023. Collection method: clinical testing. Allele origin: germline.

NM_007255.3(B4GALT7):c.364A>C (p.Lys122Gln)

Gene: B4GALT7 (beta-1,4-galactosyltransferase 7; plus strand). Cytogenetic location: 5q35.3.
Variant type: single nucleotide variant.
Coding change: c.364A>C on transcript NM_007255.3 (MANE Select); coding-DNA position 364, A replaced by C.
Protein change: p.Lys122Gln; replaces lysine 122 with glutamine.
Molecular consequence: missense variant.
Genome position (GRCh38, 1-based): chr5:177,604,492, A>C. VCF-style: chr5-177604492-A-C. GRCh37 (hg19) VCF-style: chr5-177031493-A-C.
Other names: c.364A>C (NM_007255.2); short protein forms K122Q.
Identifiers: ClinVar variation 1363106 (VCV001363106.4), dbSNP rs201281389, ClinGen allele CA3586452.